The following is an entry in ClinVar:

ClinVar aggregate classification (germline): Uncertain significance (1 of 4 stars; one submission).

Submission:

Labcorp Genetics (formerly Invitae), Labcorp
Classification: Uncertain significance. Last evaluated: 2022-03-07. Review status: criteria provided, single submitter. Criteria: Invitae Variant Classification Sherloc (09022015). Collection method: clinical testing. Allele origin: germline.
Comment: In summary, the available evidence is currently insufficient to determine the role of this variant in disease. Therefore, it has been classified as a Variant of Uncertain Significance. This variant has not been reported in the literature in individuals affected with SPPL2A-related conditions. This variant results in a copy number gain of the genomic region encompassing exon(s) 1-14 of the SPPL2A gene. This region includes the initiator codon of the gene. This copy number gain extends beyond the assayed region for this gene and therefore may encompass additional genes. As the precise location of this event is unknown, it may be in tandem or it may be located elsewhere in the genome.

NC_000015.9:g.(?_51012117)_(51057730_?)dup

Gene: SPPL2A (signal peptide peptidase like 2A; minus strand). Cytogenetic location: 15q21.2.
Variant type: Duplication.
Identifiers: ClinVar variation 1376637 (VCV001376637.5).